The following is an entry in ClinVar:

ClinVar aggregate classification (germline): Uncertain significance (1 of 4 stars; one submission).

Submission:

Ambry Genetics
Classification: Uncertain significance. Last evaluated: 2023-01-11. Review status: criteria provided, single submitter. Criteria: Ambry Variant Classification Scheme 2023. Collection method: clinical testing. Allele origin: germline.
Comment: The p.G3626E variant (also known as c.10877G>A), located in coding exon 76 of the PRKDC gene, results from a G to A substitution at nucleotide position 10877. The glycine at codon 3626 is replaced by glutamic acid, an amino acid with similar properties. This amino acid position is conserved. Since supporting evidence is limited at this time, the clinical significance of this alteration remains unclear.

NM_006904.7(PRKDC):c.10877G>A (p.Gly3626Glu)

Gene: PRKDC (protein kinase, DNA-activated, catalytic subunit; minus strand). Cytogenetic location: 8q11.21.
Variant type: single nucleotide variant.
Coding change: c.10877G>A on transcript NM_006904.7 (MANE Select); coding-DNA position 10877, G replaced by A.
Protein change: p.Gly3626Glu; replaces glycine 3626 with glutamic acid.
Molecular consequence: missense variant.
Genome position (GRCh38, 1-based): chr8:47,788,931, C>T on the plus strand (G>A on the coding strand, the complement: PRKDC is on the minus strand). VCF-style: chr8-47788931-C-T. GRCh37 (hg19) VCF-style: chr8-48701492-C-T.
Other names: c.10877G>A, p.Gly3626Glu (NM_001081640.2); short protein forms G3626E.
Identifiers: ClinVar variation 2452978 (VCV002452978.2), dbSNP rs2551861318, ClinGen allele CA371132045.
Genomic context (GRCh38, chr8:47,788,931, plus strand): 5'-CTGCTATCAAAATAGCAGGCTGTGCCAGTCCATACCTGAATAAACTTCCTTCTAAAGGCC[C>T]CCAGGCCTGGAGCCTTTGGGTCACCCAAGGCTGCATACATTCTTTCATACATTTTTTCAA-3'
Protein context (NP_008835.5, residues 3616-3636): ALGDPKAPGL[Gly3626Glu]AFRRKFIQTF